The following is an entry in ClinVar:

NM_025114.4(CEP290):c.943-1G>A

Gene: CEP290 (centrosomal protein 290; minus strand). Cytogenetic location: 12q21.32.
Variant type: single nucleotide variant.
Coding change: c.943-1G>A on transcript NM_025114.4 (MANE Select); the canonical splice acceptor site of the intron before coding-DNA position 943, G replaced by A.
Molecular consequence: splice acceptor variant.
Genome position (GRCh38, 1-based): chr12:88,126,439, C>T on the plus strand (G>A on the coding strand, the complement: CEP290 is on the minus strand). VCF-style: chr12-88126439-C-T. GRCh37 (hg19) VCF-style: chr12-88520216-C-T.
Identifiers: ClinVar variation 1492389 (VCV001492389.8), dbSNP rs2138025029, ClinGen allele CA385983225.

ClinVar aggregate classification (germline): Likely pathogenic (1 of 4 stars; one submission).

Conditions:
Nephronophthisis. Also called: Juvenile Nephronophthisis. Identifiers: Orphanet 655, MedGen C0687120, MONDO:0019005, HP:0000090.
Meckel-Gruber syndrome. Also called: DYSENCEPHALIA SPLANCHNOCYSTICA; GRUBER SYNDROME; Dysencephalia splachnocystica. Identifiers: Orphanet 564, MedGen C0265215, MONDO:0018921.
Joubert syndrome. Also called: CEREBELLOPARENCHYMAL DISORDER IV; JOUBERT-BOLTSHAUSER SYNDROME; Familial aplasia of the vermis. Identifiers: Orphanet 475, MedGen C5979921, MONDO:0018772.

Submission:

Labcorp Genetics (formerly Invitae), Labcorp
Classification: Likely pathogenic for Joubert syndrome; Meckel-Gruber syndrome; Nephronophthisis. Last evaluated: 2022-06-13. Review status: criteria provided, single submitter. Criteria: Invitae Variant Classification Sherloc (09022015). Collection method: clinical testing. Allele origin: germline.
Comment: In summary, the currently available evidence indicates that the variant is pathogenic, but additional data are needed to prove that conclusively. Therefore, this variant has been classified as Likely Pathogenic. Algorithms developed to predict the effect of sequence changes on RNA splicing suggest that this variant may disrupt the consensus splice site. This variant has not been reported in the literature in individuals affected with CEP290-related conditions. This variant is not present in population databases (gnomAD no frequency). This sequence change affects an acceptor splice site in intron 11 of the CEP290 gene. It is expected to disrupt RNA splicing. Variants that disrupt the donor or acceptor splice site typically lead to a loss of protein function (PMID: 16199547), and loss-of-function variants in CEP290 are known to be pathogenic (PMID: 16909394, 17345604, 20690115).

Literature cited by the submitters: PubMed 16199547; PubMed 16909394; PubMed 17345604; PubMed 20690115.